The following is an entry in ClinVar:

NM_017617.5(NOTCH1):c.4881C>T (p.Arg1627=)

Gene: NOTCH1 (notch receptor 1; minus strand). Cytogenetic location: 9q34.3.
Variant type: single nucleotide variant.
Coding change: c.4881C>T on transcript NM_017617.5 (MANE Select); coding-DNA position 4881, C replaced by T.
Protein change: p.Arg1627=; no amino-acid change (arginine 1627 retained).
Molecular consequence: synonymous variant.
Genome position (GRCh38, 1-based): chr9:136,504,810, G>A on the plus strand (C>T on the coding strand, the complement: NOTCH1 is on the minus strand). VCF-style: chr9-136504810-G-A. GRCh37 (hg19) VCF-style: chr9-139399262-G-A.
Other names: c.4881C>T (NM_017617.4).
Identifiers: ClinVar variation 2071626 (VCV002071626.5), dbSNP rs372753656, ClinGen allele CA5340501.
Genomic context (GRCh38, chr9:136,504,810, plus strand): 5'-CTGGCCCAGCAGGGCGTCAGGTGCGGCCCAGCCCTCGGCGGCACGCTTGATGGGGTGCTT[G>A]CGCAGCTCCTCCTCGCGGCCGTAGTAGGGGAAGATCATCTGCTGGCCGTGTGCGTCACGC-3'
Protein context (NP_060087.3, residues 1617-1637): FPYYGREEEL[Arg1627=]KHPIKRAAEG

ClinVar aggregate classification (germline): Benign. Review status: criteria provided, single submitter (1 of 4 stars). 2 submissions from 2 submitters: Benign (1). 1 of the submissions does not count toward it. Last evaluated 2023-10-20.

Conditions:
NOTCH1-related disorder. Also called: NOTCH1-related condition; NOTCH1-related disorders.
Adams-Oliver syndrome 5 (AOS5). Identifiers: Orphanet 974, MedGen C4014970, MONDO:0014459, OMIM 616028.

Allele frequency attached by ClinVar (database versions not stated): gnomAD 0.00001; gnomAD exomes 0.00001; TOPMed 0.00002; ESP Exome Variant Server 0.00008.

Submissions (2):

Labcorp Genetics (formerly Invitae), Labcorp
Classification: Benign for Adams-Oliver syndrome 5. Last evaluated: 2023-10-20. Review status: criteria provided, single submitter. Criteria: Invitae Variant Classification Sherloc (09022015). Collection method: clinical testing. Allele origin: germline.

PreventionGenetics, part of Exact Sciences
Classification: Uncertain significance for NOTCH1-related condition. Last evaluated: 2024-06-21. Review status: no assertion criteria provided. Collection method: clinical testing. Allele origin: germline. Not counted in ClinVar's aggregate classification.
Comment: The NOTCH1 c.4881C>T is a noncoding alteration. This variant is predicted to alter splicing based on available splicing prediction programs (SpliceAI, Jaganathan et al. 2019. PubMed ID: 30661751). However, the use of computer prediction programs is not equivalent to functional evidence. To our knowledge, this variant has not been reported in the literature. This variant is reported in 0.0042% of alleles in individuals of South Asian descent in gnomAD. At this time, the clinical significance of this variant is uncertain due to the absence of conclusive functional and genetic evidence.